The following is an entry in ClinVar:

NM_001378457.1(DMXL2):c.5256G>A (p.Met1752Ile)

Gene: DMXL2 (Dmx like 2; minus strand). Cytogenetic location: 15q21.2.
Variant type: single nucleotide variant.
Coding change: c.5256G>A on transcript NM_001378457.1 (MANE Select); coding-DNA position 5256, G replaced by A.
Protein change: p.Met1752Ile; replaces methionine 1752 with isoleucine.
Molecular consequence: missense variant. On other transcripts: non-coding transcript variant (2).
Genome position (GRCh38, 1-based): chr15:51,486,299, C>T on the plus strand (G>A on the coding strand, the complement: DMXL2 is on the minus strand). VCF-style: chr15-51486299-C-T. GRCh37 (hg19) VCF-style: chr15-51778496-C-T.
Other names: c.5256G>A, p.Met1752Ile (NM_001174116.3, NM_001378458.1, NM_001378459.1 and 4 more transcripts); c.3348G>A, p.Met1116Ile (NM_001174117.3); c.3237G>A, p.Met1079Ile (NM_001378460.1); c.5016G>A, p.Met1672Ile (NM_001378464.1); short protein forms M1672I, M1079I, M1116I, M1752I.
Identifiers: ClinVar variation 1902784 (VCV001902784.2), dbSNP rs772783962, ClinGen allele CA7561828.

ClinVar aggregate classification (germline): Uncertain significance (1 of 4 stars; one submission).

Allele frequency attached by ClinVar (database versions not stated): TOPMed below 0.00001; gnomAD 0.00001; gnomAD exomes 0.00002; ExAC 0.00011.

Submission:

Labcorp Genetics (formerly Invitae), Labcorp
Classification: Uncertain significance. Last evaluated: 2022-08-22. Review status: criteria provided, single submitter. Criteria: Invitae Variant Classification Sherloc (09022015). Collection method: clinical testing. Allele origin: germline.
Comment: This sequence change replaces methionine, which is neutral and non-polar, with isoleucine, which is neutral and non-polar, at codon 1752 of the DMXL2 protein (p.Met1752Ile). This variant is present in population databases (rs772783962, gnomAD 0.01%). This variant has not been reported in the literature in individuals affected with DMXL2-related conditions. Algorithms developed to predict the effect of missense changes on protein structure and function (SIFT, PolyPhen-2, Align-GVGD) all suggest that this variant is likely to be tolerated. In summary, the available evidence is currently insufficient to determine the role of this variant in disease. Therefore, it has been classified as a Variant of Uncertain Significance.